The following is an entry in ClinVar:

NR_163594.1(SSPO):n.15289G>A

Variant type: single nucleotide variant.
Molecular consequence: non-coding transcript variant (on NR_163594.1).
Genome position: GRCh38 VCF-style: chr7-149831174-G-A. GRCh37 (hg19) VCF-style: chr7-149528263-G-A.
Other names: NM_198455.2:c.15179G>A.
Identifiers: ClinVar variation 818178 (VCV000818178.25), dbSNP rs202079888, ClinGen allele CA4560364.

ClinVar aggregate classification (germline): Likely benign (1 of 4 stars; one submission).

Submission:

CeGaT Center for Human Genetics Tuebingen
Classification: Likely benign. Last evaluated: 2023-04-01. Review status: criteria provided, single submitter. Criteria: CeGaT Center For Human Genetics Tuebingen Variant Classification Criteria Version 2. Collection method: clinical testing. Allele origin: germline. Affected: yes. Observed: 1 variant allele.
Comment: SSPOP: BS2